The following is an entry in ClinVar:

NM_000038.6(APC):c.645+3A>T

Gene: APC (APC regulator of Wnt signaling pathway; plus strand). Cytogenetic location: 5q22.2.
Variant type: single nucleotide variant.
Coding change: c.645+3A>T on transcript NM_000038.6 (MANE Select); 3 bases into the intron after coding-DNA position 645, A replaced by T.
Molecular consequence: intron variant.
Genome position (GRCh38, 1-based): chr5:112,780,906, A>T. VCF-style: chr5-112780906-A-T. GRCh37 (hg19) VCF-style: chr5-112116603-A-T.
Other names: c.-391+3A>T (NM_001407470.1, NM_001407472.1, NM_001354906.2 and 1 more transcripts); c.645+3A>T (NM_001407447.1, NM_001354895.2, NM_001407456.1 and 16 more transcripts); c.675+3A>T (NM_001407446.1, NM_001354897.2, NM_001354902.2 and 1 more transcripts); c.468+3A>T (NM_001407453.1, NM_001354900.2, NM_001354901.2 and 1 more transcripts); c.570+3A>T (NM_001407451.1, NM_001354898.2, NM_001354904.2).
Identifiers: ClinVar variation 3230887 (VCV003230887.1), dbSNP rs2149641284, ClinGen allele CA2825001339.

ClinVar aggregate classification (germline): Uncertain significance (1 of 4 stars; one submission).

Conditions:
Hereditary cancer-predisposing syndrome. Also called: Neoplastic Syndromes, Hereditary; Tumor predisposition; Hereditary neoplastic syndrome; Hereditary Cancer Syndrome. Identifiers: Orphanet 140162, MedGen C0027672, MeSH D009386, MONDO:0015356.

Submission:

Ambry Genetics
Classification: Uncertain significance for Hereditary cancer-predisposing syndrome. Last evaluated: 2024-01-30. Review status: criteria provided, single submitter. Criteria: Ambry Variant Classification Scheme 2023. Collection method: clinical testing. Allele origin: germline.
Comment: The c.645+3A>T intronic variant results from an A to T substitution 3 nucleotides after coding exon 5 in the APC gene. This nucleotide position is not well conserved in available vertebrate species. In silico splice site analysis predicts that this alteration will not have any significant effect on splicing. Based on the available evidence, the clinical significance of this alteration remains unclear.